The following is an entry in ClinVar:

NM_006904.7(PRKDC):c.2826G>T (p.Leu942Phe)

Gene: PRKDC (protein kinase, DNA-activated, catalytic subunit; minus strand). Cytogenetic location: 8q11.21.
Variant type: single nucleotide variant.
Coding change: c.2826G>T on transcript NM_006904.7 (MANE Select); coding-DNA position 2826, G replaced by T.
Protein change: p.Leu942Phe; replaces leucine 942 with phenylalanine.
Molecular consequence: missense variant.
Genome position (GRCh38, 1-based): chr8:47,912,518, C>A on the plus strand (G>T on the coding strand, the complement: PRKDC is on the minus strand). VCF-style: chr8-47912518-C-A. GRCh37 (hg19) VCF-style: chr8-48825078-C-A.
Other names: c.2826G>T, p.Leu942Phe (NM_001081640.2); short protein forms L942F.
Identifiers: ClinVar variation 1796506 (VCV001796506.2), dbSNP rs2551876665, ClinGen allele CA371158877.
Genomic context (GRCh38, chr8:47,912,518, plus strand): 5'-ATAGAGCTGGTACATGGGTGGGGCTCCCTGTCCCCCTTCTGGCATCTGCGTGGCTTTGCC[C>A]AACATAAACATAACCATGCTATGTAAAAGTTCACAGGCTGCAACCTAAAACAGACCAGGA-3'
Protein context (NP_008835.5, residues 932-952): ELLHSMVMFM[Leu942Phe]GKATQMPEGG

ClinVar aggregate classification (germline): Uncertain significance (1 of 4 stars; one submission).

Submission:

Ambry Genetics
Classification: Uncertain significance. Last evaluated: 2022-04-24. Review status: criteria provided, single submitter. Criteria: Ambry Variant Classification Scheme 2023. Collection method: clinical testing. Allele origin: germline.
Comment: The p.L942F variant (also known as c.2826G>T), located in coding exon 25 of the PRKDC gene, results from a G to T substitution at nucleotide position 2826. The leucine at codon 942 is replaced by phenylalanine, an amino acid with highly similar properties. This amino acid position is conserved. In addition, the in silico prediction for this alteration is inconclusive. Since supporting evidence is limited at this time, the clinical significance of this alteration remains unclear.